The following is an entry in ClinVar:

NM_025150.5(TARS2):c.1021-13C>A

Gene: TARS2 (threonyl-tRNA synthetase 2, mitochondrial; plus strand). Cytogenetic location: 1q21.2.
Variant type: single nucleotide variant.
Coding change: c.1021-13C>A on transcript NM_025150.5 (MANE Select); 13 bases into the intron before coding-DNA position 1021, C replaced by A.
Molecular consequence: intron variant.
Genome position (GRCh38, 1-based): chr1:150,497,517, C>A. VCF-style: chr1-150497517-C-A. GRCh37 (hg19) VCF-style: chr1-150469993-C-A.
Other names: c.775-13C>A (NM_001271895.2); c.631-13C>A (NM_001271896.2).
Identifiers: ClinVar variation 382091 (VCV000382091.1), dbSNP rs994932132, ClinGen allele CA16603404.

ClinVar aggregate classification (germline): Likely benign (1 of 4 stars; one submission).

Submission:

GeneDx
Classification: Likely benign. Last evaluated: 2016-01-27. Review status: criteria provided, single submitter. Criteria: GeneDx Variant Classification (06012015). Collection method: clinical testing. Allele origin: germline. Affected: yes.
Comment: This variant is considered likely benign or benign based on one or more of the following criteria: it is a conservative change, it occurs at a poorly conserved position in the protein, it is predicted to be benign by multiple in silico algorithms, and/or has population frequency not consistent with disease.